The following is an entry in ClinVar:

ClinVar aggregate classification (germline): Uncertain significance (1 of 4 stars; one submission).

gnomAD v4.1: 3 of 1,613,998 alleles (0.00019%); highest among the groups gnomAD compares: Admixed American, 0.0017%; no homozygotes.

Submission:

Labcorp Genetics (formerly Invitae), Labcorp
Classification: Uncertain significance. Last evaluated: 2025-08-26. Review status: criteria provided, single submitter. Criteria: Invitae Variant Classification Sherloc (09022015). Collection method: clinical testing. Allele origin: germline.
Comment: This sequence change replaces glutamic acid, which is acidic and polar, with lysine, which is basic and polar, at codon 22 of the TUBB1 protein (p.Glu22Lys). This variant is present in population databases (rs765715633, gnomAD 0.006%). This variant has not been reported in the literature in individuals affected with TUBB1-related conditions. Invitae Evidence Modeling of protein sequence and biophysical properties (such as structural, functional, and spatial information, amino acid conservation, physicochemical variation, residue mobility, and thermodynamic stability) indicates that this missense variant is not expected to disrupt TUBB1 protein function with a negative predictive value of 80%. In summary, the available evidence is currently insufficient to determine the role of this variant in disease. Therefore, it has been classified as a Variant of Uncertain Significance.

NM_030773.4(TUBB1):c.64G>A (p.Glu22Lys)

Gene: TUBB1 (tubulin beta 1 class VI; plus strand). Cytogenetic location: 20q13.32.
Variant type: single nucleotide variant.
Coding change: c.64G>A on transcript NM_030773.4 (MANE Select); coding-DNA position 64, G replaced by A.
Protein change: p.Glu22Lys; replaces glutamic acid 22 with lysine.
Molecular consequence: missense variant.
Genome position (GRCh38, 1-based): chr20:59,022,851, G>A. VCF-style: chr20-59022851-G-A. GRCh37 (hg19) VCF-style: chr20-57597906-G-A.
Other names: short protein forms E22K.
Identifiers: ClinVar variation 4780863 (VCV004780863.1).
Genomic context (GRCh38, chr20:59,022,851, plus strand): 5'-GTTAACACAGCCTTTTTCGGGGTCCGTTTACTCTGACCTTCCTCCTGCTTTCAGTTCTGG[G>A]AGATGATTGGTGAGGAACACGGGATCGACTTGGCTGGGAGCGACCGCGGGGCCTCGGCCT-3'
Protein context (NP_110400.1, residues 12-32): CGNQIGAKFW[Glu22Lys]MIGEEHGIDL